The following is an entry in ClinVar:

NM_016180.5(SLC45A2):c.769G>A (p.Asp257Asn)

Gene: SLC45A2 (solute carrier family 45 member 2; minus strand). Cytogenetic location: 5p13.2.
Variant type: single nucleotide variant.
Coding change: c.769G>A on transcript NM_016180.5 (MANE Select); coding-DNA position 769, G replaced by A.
Protein change: p.Asp257Asn; replaces aspartic acid 257 with asparagine.
Molecular consequence: missense variant. On other transcripts: intron variant (1).
Genome position (GRCh38, 1-based): chr5:33,963,810, C>T on the plus strand (G>A on the coding strand, the complement: SLC45A2 is on the minus strand). VCF-style: chr5-33963810-C-T. GRCh37 (hg19) VCF-style: chr5-33963915-C-T.
Other names: c.769G>A, p.Asp257Asn (NM_001012509.4); c.563-9306G>A (NM_001297417.4); short protein forms D257N.
Identifiers: ClinVar variation 2010334 (VCV002010334.4), dbSNP rs949276381, ClinGen allele CA116890425.

ClinVar aggregate classification (germline): Uncertain significance (1 of 4 stars; one submission).

Submission:

Labcorp Genetics (formerly Invitae), Labcorp
Classification: Uncertain significance. Last evaluated: 2025-03-17. Review status: criteria provided, single submitter. Criteria: Invitae Variant Classification Sherloc (09022015). Collection method: clinical testing. Allele origin: germline.
Comment: This sequence change replaces aspartic acid, which is acidic and polar, with asparagine, which is neutral and polar, at codon 257 of the SLC45A2 protein (p.Asp257Asn). This variant is present in population databases (no rsID available, gnomAD 0.007%). This variant has not been reported in the literature in individuals affected with SLC45A2-related conditions. ClinVar contains an entry for this variant (Variation ID: 2010334). An algorithm developed to predict the effect of missense changes on protein structure and function outputs the following: PolyPhen-2: "Benign". The asparagine amino acid residue is found in multiple mammalian species, which suggests that this missense change does not adversely affect protein function. In summary, the available evidence is currently insufficient to determine the role of this variant in disease. Therefore, it has been classified as a Variant of Uncertain Significance.